The following is an entry in ClinVar:

NM_031443.4(CCM2):c.194_195dup (p.Glu66fs)

Gene: CCM2 (CCM2 scaffold protein; plus strand). Cytogenetic location: 7p13.
Variant type: Duplication.
Coding change: c.194_195dup on transcript NM_031443.4 (MANE Select); coding-DNA positions 194 to 195, 2 bases duplicated (AG; older notation c.194_195dupAG).
Protein change: p.Glu66fs; shifts the reading frame from glutamic acid 66.
Molecular consequence: frameshift variant. On other transcripts: non-coding transcript variant (1), intron variant (2).
Genome position (GRCh38, 1-based): chr7:45,038,416-45,038,417, AG duplicated. VCF-style (leftmost placement, unchanged base first): chr7-45038415-A-AAG. GRCh37 (hg19) VCF-style: chr7-45078014-A-AAG.
Other names: c.194_195dupAG (NM_031443.3); c.257_258dup, p.Glu87fs (NM_001029835.2); c.194_195dup, p.Glu66fs (NM_001167935.2, NM_001363458.2); c.31-25502_31-25501dup (NM_001363459.2, NM_001167934.2); short protein forms E66fs, E87fs.
Identifiers: ClinVar variation 429309 (VCV000429309.1), dbSNP rs1131691312, ClinGen allele CA645369401.

ClinVar aggregate classification (germline): Pathogenic (1 of 4 stars; one submission).

Submission:

GeneDx
Classification: Pathogenic. Last evaluated: 2017-04-21. Review status: criteria provided, single submitter. Criteria: GeneDx Variant Classification (06012015). Collection method: clinical testing. Allele origin: germline. Affected: yes.
Comment: The c.194_195dupAG pathogenic variant in the CCM2 gene causes a frameshift starting with codon Glutamic Acid 66, changes this amino acid to a Arginine residue and creates a premature Stop codon at position 3 of the new reading frame, denoted p.Glu66ArgfsX3. This pathogenic variant is predicted to cause loss of normal protein function either through protein truncation or nonsense-mediated mRNA decay. In addition, the c.194_195dupAG variant is not observed in large population cohorts (Lek et al., 2016; 1000 Genomes Consortium et al., 2015; Exome Variant Server).